The following is an entry in ClinVar:

ClinVar aggregate classification (germline): Uncertain significance (1 of 4 stars; one submission).

Conditions:
Charcot-Marie-Tooth disease axonal type 2C (HMSN2C). Also called: Charcot-Marie-Tooth Disease Type 2, TRPV4-Related (CMT2C); CHARCOT-MARIE-TOOTH DISEASE, AXONAL, AUTOSOMAL DOMINANT, TYPE 2C; Charcot-Marie-Tooth Neuropathy Type 2C. Identifiers: Orphanet 99937, MedGen C1853710, MONDO:0011633, OMIM 606071.

Submission:

Labcorp Genetics (formerly Invitae), Labcorp
Classification: Uncertain significance for Charcot-Marie-Tooth disease axonal type 2C. Last evaluated: 2025-11-09. Review status: criteria provided, single submitter. Criteria: Invitae Variant Classification Sherloc (09022015). Collection method: clinical testing. Allele origin: germline.
Comment: This sequence change replaces tyrosine, which is neutral and polar, with histidine, which is basic and polar, at codon 808 of the TRPV4 protein (p.Tyr808His). This variant is not present in population databases (gnomAD no frequency). This variant has not been reported in the literature in individuals affected with TRPV4-related conditions. Invitae Evidence Modeling of protein sequence and biophysical properties (such as structural, functional, and spatial information, amino acid conservation, physicochemical variation, residue mobility, and thermodynamic stability) indicates that this missense variant is not expected to disrupt TRPV4 protein function with a negative predictive value of 95%. In summary, the available evidence is currently insufficient to determine the role of this variant in disease. Therefore, it has been classified as a Variant of Uncertain Significance.

NM_021625.5(TRPV4):c.2422T>C (p.Tyr808His)

Gene: TRPV4 (transient receptor potential cation channel subfamily V member 4; minus strand). Cytogenetic location: 12q24.11.
Variant type: single nucleotide variant.
Coding change: c.2422T>C on transcript NM_021625.5 (MANE Select); coding-DNA position 2422, T replaced by C.
Protein change: p.Tyr808His; replaces tyrosine 808 with histidine.
Molecular consequence: missense variant.
Genome position (GRCh38, 1-based): chr12:109,784,352, A>G on the plus strand (T>C on the coding strand, the complement: TRPV4 is on the minus strand). VCF-style: chr12-109784352-A-G. GRCh37 (hg19) VCF-style: chr12-110222157-A-G.
Other names: c.2281T>C, p.Tyr761His (NM_001177428.2); c.2320T>C, p.Tyr774His (NM_001177431.2); c.2101T>C, p.Tyr701His (NM_001177433.2); c.2242T>C, p.Tyr748His (NM_147204.3); short protein forms Y701H, Y748H, Y761H, Y774H, Y808H.
Identifiers: ClinVar variation 4803069 (VCV004803069.1).